The following is an entry in ClinVar:

ClinVar aggregate classification (germline): Uncertain significance (1 of 4 stars; one submission).

gnomAD v4.1: 2 of 1,596,236 alleles (0.00013%); highest among the groups gnomAD compares: Non-Finnish European, 0.00017%; no homozygotes.

Submission:

Labcorp Genetics (formerly Invitae), Labcorp
Classification: Uncertain significance. Last evaluated: 2024-07-11. Review status: criteria provided, single submitter. Criteria: Invitae Variant Classification Sherloc (09022015). Collection method: clinical testing. Allele origin: germline.
Comment: This sequence change replaces lysine, which is basic and polar, with methionine, which is neutral and non-polar, at codon 648 of the EMC1 protein (p.Lys648Met). This variant is not present in population databases (gnomAD no frequency). This variant has not been reported in the literature in individuals affected with EMC1-related conditions. An algorithm developed to predict the effect of missense changes on protein structure and function (PolyPhen-2) suggests that this variant is likely to be tolerated. Algorithms developed to predict the effect of sequence changes on RNA splicing suggest that this variant may disrupt the consensus splice site. In summary, the available evidence is currently insufficient to determine the role of this variant in disease. Therefore, it has been classified as a Variant of Uncertain Significance.

NM_015047.3(EMC1):c.1943A>T (p.Lys648Met)

Genes: EMC1 (ER membrane protein complex subunit 1; minus strand), EMC1-AS1 (EMC1 antisense RNA 1; plus strand). Cytogenetic location: 1p36.13.
Variant type: single nucleotide variant.
Coding change: c.1943A>T on transcript NM_015047.3 (MANE Select); coding-DNA position 1943, A replaced by T.
Protein change: p.Lys648Met; replaces lysine 648 with methionine.
Molecular consequence: missense variant.
Genome position (GRCh38, 1-based): chr1:19,231,262, T>A on the plus strand (A>T on the coding strand, the complement: EMC1 is on the minus strand). VCF-style: chr1-19231262-T-A. GRCh37 (hg19) VCF-style: chr1-19557756-T-A.
Other names: c.1940A>T, p.Lys647Met (NM_001271427.2, NM_001271428.2); c.1877A>T, p.Lys626Met (NM_001271429.2); c.1952A>T, p.Lys651Met (NM_001375820.1); c.1949A>T, p.Lys650Met (NM_001375821.1); short protein forms K626M, K647M, K650M, K648M, K651M.
Identifiers: ClinVar variation 3686025 (VCV003686025.2).